The following is an entry in ClinVar:

ClinVar aggregate classification (germline): Uncertain significance. Review status: criteria provided, multiple submitters, no conflicts (2 of 4 stars). 2 submissions from 2 submitters: Uncertain significance (2). Last evaluated 2024-04-30.

Conditions:
Joubert syndrome 8 (JBTS8). Identifiers: Orphanet 475, MedGen C2676771, MONDO:0012855, OMIM 612291.

Allele frequency attached by ClinVar (database versions not stated): gnomAD exomes below 0.00001 and 0.00001; TOPMed below 0.00001; gnomAD 0.00001.
gnomAD v4.1: 2 of 1,613,162 alleles (0.00012%); highest among the groups gnomAD compares: Admixed American, 0.0033%; no homozygotes.

Submissions (2):

Fulgent Genetics
Classification: Uncertain significance for Joubert syndrome 8. Last evaluated: 2024-04-30. Review status: criteria provided, single submitter. Criteria: ACMG Guidelines, 2015. Collection method: clinical testing. Allele origin: germline.

Labcorp Genetics (formerly Invitae), Labcorp
Classification: Uncertain significance for Joubert syndrome 8. Last evaluated: 2022-07-12. Review status: criteria provided, single submitter. Criteria: Invitae Variant Classification Sherloc (09022015). Collection method: clinical testing. Allele origin: germline.
Comment: Algorithms developed to predict the effect of missense changes on protein structure and function output the following: SIFT: "Tolerated"; PolyPhen-2: "Benign"; Align-GVGD: "Class C0". The alanine amino acid residue is found in multiple mammalian species, which suggests that this missense change does not adversely affect protein function. In summary, the available evidence is currently insufficient to determine the role of this variant in disease. Therefore, it has been classified as a Variant of Uncertain Significance. ClinVar contains an entry for this variant (Variation ID: 968585). This variant has not been reported in the literature in individuals affected with ARL13B-related conditions. This variant is present in population databases (no rsID available, gnomAD 0.009%). This sequence change replaces glycine, which is neutral and non-polar, with alanine, which is neutral and non-polar, at codon 286 of the ARL13B protein (p.Gly286Ala).

NM_001174150.2(ARL13B):c.857G>C (p.Gly286Ala)

Gene: ARL13B (ARF like GTPase 13B; plus strand). Cytogenetic location: 3q11.2.
Variant type: single nucleotide variant.
Coding change: c.857G>C on transcript NM_001174150.2 (MANE Select); coding-DNA position 857, G replaced by C.
Protein change: p.Gly286Ala; replaces glycine 286 with alanine.
Molecular consequence: missense variant. On other transcripts: non-coding transcript variant (2).
Genome position (GRCh38, 1-based): chr3:94,043,073, G>C. VCF-style: chr3-94043073-G-C. GRCh37 (hg19) VCF-style: chr3-93761917-G-C.
Other names: c.548G>C, p.Gly183Ala (NM_001174151.2); c.812G>C, p.Gly271Ala (NM_001321328.2); c.536G>C, p.Gly179Ala (NM_144996.4); c.857G>C, p.Gly286Ala (NM_182896.3); short protein forms G179A, G286A, G183A, G271A.
Identifiers: ClinVar variation 968585 (VCV000968585.5), dbSNP rs1378023901, ClinGen allele CA353678939.
Genomic context (GRCh38, chr3:94,043,073, plus strand): 5'-AGAATGAAGGAAAACTTGAAAGAGAGAAAAAAAACCAAAAAATGGAGAAAGACAGTGATG[G>C]CTGCCACCTGAAACATAAAATGGAGCATGAGCAAATAGAGACACAAGGCCAGGTTAATCA-3'
Protein context (NP_001167621.1, residues 276-296): KNQKMEKDSD[Gly286Ala]CHLKHKMEHE